The following is an entry in ClinVar:

ClinVar aggregate classification (germline): Uncertain significance. Review status: criteria provided, multiple submitters, no conflicts (2 of 4 stars). 2 submissions from 2 submitters: Uncertain significance (2). Last evaluated 2024-12-12.

Allele frequency attached by ClinVar (database versions not stated): 1000 Genomes Project 30x 0.00016; 1000 Genomes Project 0.00020; ExAC 0.00031; gnomAD exomes 0.00036; ESP Exome Variant Server 0.00038; gnomAD 0.00038 and 0.00041; TOPMed 0.00042.
gnomAD v4.1: 812 of 1,610,886 alleles (0.05%); highest among the groups gnomAD compares: Non-Finnish European, 0.063%; no homozygotes.

Submissions (2):

Ambry Genetics
Classification: Uncertain significance. Last evaluated: 2024-12-12. Review status: criteria provided, single submitter. Criteria: Ambry Variant Classification Scheme 2023. Collection method: clinical testing. Allele origin: germline.

Labcorp Genetics (formerly Invitae), Labcorp
Classification: Uncertain significance. Last evaluated: 2022-08-31. Review status: criteria provided, single submitter. Criteria: Invitae Variant Classification Sherloc (09022015). Collection method: clinical testing. Allele origin: germline.
Comment: This sequence change replaces histidine, which is basic and polar, with arginine, which is basic and polar, at codon 245 of the TIMMDC1 protein (p.His245Arg). This variant is present in population databases (rs373679007, gnomAD 0.06%). This variant has not been reported in the literature in individuals affected with TIMMDC1-related conditions. ClinVar contains an entry for this variant (Variation ID: 1384827). Algorithms developed to predict the effect of missense changes on protein structure and function output the following: SIFT: "Tolerated"; PolyPhen-2: "Benign"; Align-GVGD: "Class C0". The arginine amino acid residue is found in multiple mammalian species, which suggests that this missense change does not adversely affect protein function. In summary, the available evidence is currently insufficient to determine the role of this variant in disease. Therefore, it has been classified as a Variant of Uncertain Significance.

NM_016589.4(TIMMDC1):c.734A>G (p.His245Arg)

Gene: TIMMDC1 (translocase of inner mitochondrial membrane domain containing 1; plus strand). Cytogenetic location: 3q13.33.
Variant type: single nucleotide variant.
Coding change: c.734A>G on transcript NM_016589.4 (MANE Select); coding-DNA position 734, A replaced by G.
Protein change: p.His245Arg; replaces histidine 245 with arginine.
Molecular consequence: missense variant.
Genome position (GRCh38, 1-based): chr3:119,523,632, A>G. VCF-style: chr3-119523632-A-G. GRCh37 (hg19) VCF-style: chr3-119242479-A-G.
Other names: c.734A>G (NM_016589.3); short protein forms H245R.
Identifiers: ClinVar variation 1384827 (VCV001384827.5), dbSNP rs373679007, ClinGen allele CA2555366.